The following is an entry in ClinVar:

NM_000399.5(EGR2):c.169+10G>T

Gene: EGR2 (early growth response 2; minus strand). Cytogenetic location: 10q21.3.
Variant type: single nucleotide variant.
Coding change: c.169+10G>T on transcript NM_000399.5 (MANE Select); 10 bases into the intron after coding-DNA position 169, G replaced by T.
Molecular consequence: intron variant.
Genome position (GRCh38, 1-based): chr10:62,815,851, C>A on the plus strand (G>T on the coding strand, the complement: EGR2 is on the minus strand). VCF-style: chr10-62815851-C-A. GRCh37 (hg19) VCF-style: chr10-64575611-C-A.
Other names: c.169+10G>T (NM_001136178.2, NM_001136177.3); c.19+10G>T (NM_001321037.2, NM_001136179.3).
Identifiers: ClinVar variation 300280 (VCV000300280.15), dbSNP rs114201658, ClinGen allele CA5517330.
Genomic context (GRCh38, chr10:62,815,851, plus strand): 5'-CACACCCACTGCACCCCATCCACCACCTCCGGGCCGCGCAGGTCCGGGCCTGCGAAGACA[C>A]GCGGCTTACCTCCGGCCACTCCGTTCATCTGGTCAAAGGGGCCTCCCAGTTCGGCATTGG-3'

ClinVar aggregate classification (germline): Benign. Review status: criteria provided, multiple submitters, no conflicts (2 of 4 stars). 3 submissions from 3 submitters: Benign (3). Last evaluated 2026-01-26.

Conditions:
Charcot-Marie-Tooth disease, type I (CMT1). Also called: Charcot-Marie-Tooth, Type 1; Charcot-Marie-Tooth disease type 1. Identifiers: Orphanet 65753, MedGen C0751036, MONDO:0019011.
Charcot-Marie-Tooth disease type 1D. Also called: Charcot-Marie-Tooth disease, demyelinating, type 1d; CHARCOT-MARIE-TOOTH NEUROPATHY, TYPE 1D; HEREDITARY MOTOR AND SENSORY NEUROPATHY 1D; HMSN ID. Identifiers: Orphanet 101084, MedGen C1843247, MONDO:0011890, OMIM 607678.

Allele frequency attached by ClinVar (database versions not stated): gnomAD exomes 0.00224; ExAC 0.00283; 1000 Genomes Project 30x 0.00765; 1000 Genomes Project 0.00799; gnomAD 0.00873 and 0.00953; ESP Exome Variant Server 0.00907; TOPMed 0.00929.
gnomAD v4.1: 2,562 of 1,613,904 alleles (0.16%); highest among the groups gnomAD compares: African/African-American, 3.1%; 38 homozygotes.

Submissions (3):

Labcorp Genetics (formerly Invitae), Labcorp
Classification: Benign for Charcot-Marie-Tooth disease, type I. Last evaluated: 2026-01-26. Review status: criteria provided, single submitter. Criteria: Invitae Variant Classification Sherloc (09022015). Collection method: clinical testing. Allele origin: germline.

Illumina Laboratory Services, Illumina
Classification: Benign for Charcot-Marie-Tooth disease type 1D. Last evaluated: 2018-01-13. Review status: criteria provided, single submitter. Criteria: ICSL Variant Classification Criteria 13 December 2019. Collection method: clinical testing. Allele origin: germline.
Comment: This variant was observed in the ICSL laboratory as part of a predisposition screen in an ostensibly healthy population. It had not been previously curated by ICSL or reported in the Human Gene Mutation Database (HGMD: prior to June 1st, 2018), and was therefore a candidate for classification through an automated scoring system. Utilizing variant allele frequency, disease prevalence and penetrance estimates, and inheritance mode, an automated score was calculated to assess if this variant is too frequent to cause the disease. Based on the score and internal cut-off values, a variant classified as benign is not then subjected to further curation. The score for this variant resulted in a classification of benign for this disease.

GeneDx
Classification: Benign. Last evaluated: 2016-07-08. Review status: criteria provided, single submitter. Criteria: GeneDx Variant Classification (06012015). Collection method: clinical testing. Allele origin: germline. Affected: yes.
Comment: This variant is considered likely benign or benign based on one or more of the following criteria: it is a conservative change, it occurs at a poorly conserved position in the protein, it is predicted to be benign by multiple in silico algorithms, and/or has population frequency not consistent with disease.